The following is an entry in ClinVar:

NM_001101362.3(KBTBD13):c.496G>C (p.Ala166Pro)

Gene: KBTBD13 (kelch repeat and BTB domain containing 13; plus strand). Cytogenetic location: 15q22.31.
Variant type: single nucleotide variant.
Coding change: c.496G>C on transcript NM_001101362.3 (MANE Select); coding-DNA position 496, G replaced by C.
Protein change: p.Ala166Pro; replaces alanine 166 with proline.
Molecular consequence: missense variant.
Genome position (GRCh38, 1-based): chr15:65,077,311, G>C. VCF-style: chr15-65077311-G-C. GRCh37 (hg19) VCF-style: chr15-65369649-G-C.
Other names: short protein forms A166P.
Identifiers: ClinVar variation 963231 (VCV000963231.14), dbSNP rs777916743, ClinGen allele CA7613932.

ClinVar aggregate classification (germline): Conflicting classifications of pathogenicity. Review status: criteria provided, conflicting classifications (1 of 4 stars). 4 submissions from 4 submitters: Uncertain significance (3); Likely benign (1). Last evaluated 2026-03-17.

Conditions:
Nemaline myopathy 6 (NEM6). Also called: Nemaline myopathy 6, autosomal dominant. Identifiers: Orphanet 171439, MedGen C1836472, MONDO:0012237, OMIM 609273.

Allele frequency attached by ClinVar (database versions not stated): ExAC below 0.00001; gnomAD below 0.00001 and 0.00001; gnomAD exomes 0.00002.

Submissions (4):

Centre for Medical Genetics,  Mumbai
Classification: Likely benign for Nemaline myopathy 6. Last evaluated: 2026-03-17. Review status: criteria provided, single submitter. Criteria: ACMG Guidelines, 2015. Collection method: provider interpretation. Allele origin: germline. Inheritance: Autosomal dominant inheritance. Affected: no. Observed: 1 variant allele, 1 heterozygote.
Comment: The variant satisfies PM2 criteria; Extremely low frequency in gnomAD population databases. However, the variant satisfies BS2 criteria.

Neuberg Centre For Genomic Medicine, NCGM
Classification: Uncertain significance for Nemaline myopathy 6. Last evaluated: 2023-03-01. Review status: criteria provided, single submitter. Criteria: ACMG Guidelines, 2015. Collection method: clinical testing. Allele origin: germline. Inheritance: Autosomal dominant inheritance. Affected: yes.
Comment: The missense c.496G>C(p.Ala166Pro) variant in KBTBD13 gene has not been reported previously as a pathogenic variant nor a benign variant, to our knowledge. The p.Ala166Pro variant has been reported with allele frequency of 0.002% in gnomAD Exomes and is novel (not in any individuals) in 1000 Genomes. This variant has been reported to the ClinVar database as Uncertain Significance. The amino acid change p.Ala166Pro in KBTBD13 is predicted as conserved by GERP++ and PhyloP across 100 vertebrates. The amino acid Ala at position 166 is changed to a Pro changing protein sequence and it might alter its composition and physico-chemical properties. For these reasons, this variant has been classified as a Variant of Uncertain Significance (VUS).

Revvity Omics, Revvity
Classification: Uncertain significance for Nemaline myopathy 6. Last evaluated: 2021-05-10. Review status: criteria provided, single submitter. Criteria: ACMG Guidelines, 2015. Collection method: clinical testing. Allele origin: germline.

Labcorp Genetics (formerly Invitae), Labcorp
Classification: Uncertain significance for Nemaline myopathy 6. Last evaluated: 2019-10-19. Review status: criteria provided, single submitter. Criteria: Invitae Variant Classification Sherloc (09022015). Collection method: clinical testing. Allele origin: germline.
Comment: Algorithms developed to predict the effect of missense changes on protein structure and function are either unavailable or do not agree on the potential impact of this missense change (SIFT: "Tolerated"; PolyPhen-2: "Possibly Damaging"; Align-GVGD: "Class C0"). This variant has not been reported in the literature in individuals with KBTBD13-related conditions. The frequency data for this variant in the population databases is considered unreliable, as metrics indicate poor data quality at this position in the ExAC database. This sequence change replaces alanine with proline at codon 166 of the KBTBD13 protein (p.Ala166Pro). The alanine residue is weakly conserved and there is a small physicochemical difference between alanine and proline. In summary, the available evidence is currently insufficient to determine the role of this variant in disease. Therefore, it has been classified as a Variant of Uncertain Significance.

Literature cited by the submitters: PubMed 11731279 (cited by Centre for Medical Genetics,  Mumbai).